The following is an entry in ClinVar:

NM_017654.4(SAMD9):c.305C>T (p.Ser102Phe)

Gene: SAMD9 (sterile alpha motif domain containing 9; minus strand). Cytogenetic location: 7q21.2.
Variant type: single nucleotide variant.
Coding change: c.305C>T on transcript NM_017654.4 (MANE Select); coding-DNA position 305, C replaced by T.
Protein change: p.Ser102Phe; replaces serine 102 with phenylalanine.
Molecular consequence: missense variant.
Genome position (GRCh38, 1-based): chr7:93,105,793, G>A on the plus strand (C>T on the coding strand, the complement: SAMD9 is on the minus strand). VCF-style: chr7-93105793-G-A. GRCh37 (hg19) VCF-style: chr7-92735106-G-A.
Other names: c.305C>T, p.Ser102Phe (NM_001193307.2); short protein forms S102F.
Identifiers: ClinVar variation 4629817 (VCV004629817.1).

ClinVar aggregate classification (germline): Uncertain significance (1 of 4 stars; one submission).

Conditions:
Inborn genetic diseases. Identifiers: MedGen C0950123, MeSH D030342.

gnomAD v4.1: 1 of 1,614,110 alleles (0.000062%); highest among the groups gnomAD compares: Non-Finnish European, 0.000085%; no homozygotes.

Submission:

Ambry Genetics
Classification: Uncertain significance for Inborn genetic diseases. Last evaluated: 2025-09-23. Review status: criteria provided, single submitter. Criteria: Ambry Variant Classification Scheme 2023. Collection method: clinical testing. Allele origin: germline.
Comment: The p.S102F variant (also known as c.305C>T), located in coding exon 1 of the SAMD9 gene, results from a C to T substitution at nucleotide position 305. The serine at codon 102 is replaced by phenylalanine, an amino acid with highly dissimilar properties. This amino acid position is conserved. In addition, this alteration is predicted to be tolerated by in silico analysis. Based on the available evidence, the clinical significance of this variant remains unclear.